The following is an entry in ClinVar:

ClinVar aggregate classification (germline): Uncertain significance. Review status: criteria provided, multiple submitters, no conflicts (2 of 4 stars). 2 submissions from 2 submitters: Uncertain significance (2). Last evaluated 2024-12-23.

Conditions:
Inborn genetic diseases. Identifiers: MedGen C0950123, MeSH D030342.
Mosaic variegated aneuploidy syndrome 1 (MVA1). Also called: Warburton-Anyane-Yeboa syndrome. Identifiers: Orphanet 1052, MedGen C1850343, MONDO:0009759, OMIM 257300.

Allele frequency attached by ClinVar (database versions not stated): ExAC 0.00002; gnomAD exomes below 0.00001; TOPMed 0.00001.
gnomAD v4.1: 3 of 1,612,972 alleles (0.00019%); highest among the groups gnomAD compares: East Asian, 0.0067%; no homozygotes.

Submissions (2):

Labcorp Genetics (formerly Invitae), Labcorp
Classification: Uncertain significance for Mosaic variegated aneuploidy syndrome 1. Last evaluated: 2024-12-23. Review status: criteria provided, single submitter. Criteria: Invitae Variant Classification Sherloc (09022015). Collection method: clinical testing. Allele origin: germline.
Comment: This sequence change replaces leucine, which is neutral and non-polar, with valine, which is neutral and non-polar, at codon 809 of the BUB1B protein (p.Leu809Val). This variant is present in population databases (rs758693138, gnomAD 0.02%). This variant has not been reported in the literature in individuals affected with BUB1B-related conditions. ClinVar contains an entry for this variant (Variation ID: 1791075). An algorithm developed to predict the effect of missense changes on protein structure and function (PolyPhen-2) suggests that this variant is likely to be tolerated. In summary, the available evidence is currently insufficient to determine the role of this variant in disease. Therefore, it has been classified as a Variant of Uncertain Significance.

Ambry Genetics
Classification: Uncertain significance for Inborn genetic diseases. Last evaluated: 2021-08-08. Review status: criteria provided, single submitter. Criteria: Ambry Variant Classification Scheme 2023. Collection method: clinical testing. Allele origin: germline.
Comment: The p.L809V variant (also known as c.2425C>G), located in coding exon 19 of the BUB1B gene, results from a C to G substitution at nucleotide position 2425. The leucine at codon 809 is replaced by valine, an amino acid with highly similar properties. This amino acid position is conserved. In addition, this alteration is predicted to be tolerated by in silico analysis. Since supporting evidence is limited at this time, the clinical significance of this alteration remains unclear.

NM_001211.6(BUB1B):c.2425C>G (p.Leu809Val)

Gene: BUB1B (BUB1 mitotic checkpoint serine/threonine kinase B; plus strand). Cytogenetic location: 15q15.1.
Variant type: single nucleotide variant.
Coding change: c.2425C>G on transcript NM_001211.6 (MANE Select); coding-DNA position 2425, C replaced by G.
Protein change: p.Leu809Val; replaces leucine 809 with valine.
Molecular consequence: missense variant.
Genome position (GRCh38, 1-based): chr15:40,212,538, C>G. VCF-style: chr15-40212538-C-G. GRCh37 (hg19) VCF-style: chr15-40504739-C-G.
Other names: short protein forms L809V.
Identifiers: ClinVar variation 1791075 (VCV001791075.7), dbSNP rs758693138, ClinGen allele CA7476045.